The following is an entry in ClinVar:

ClinVar aggregate classification (germline): Benign (1 of 4 stars; one submission).

Conditions:
Intellectual developmental disorder, X-linked 72. Also called: Intellectual disability, X-linked 72. Identifiers: Orphanet 777, MedGen C1846038, MONDO:0010289, OMIM 300271.

Allele frequency attached by ClinVar (database versions not stated): gnomAD 0.02663; TOPMed 0.03459; 1000 Genomes Project 0.03497; 1000 Genomes Project 30x 0.03642.

Submission:

Illumina Laboratory Services, Illumina
Classification: Benign for Intellectual developmental disorder, X-linked 72. Last evaluated: 2018-01-13. Review status: criteria provided, single submitter. Criteria: ICSL Variant Classification Criteria 13 December 2019. Collection method: clinical testing. Allele origin: germline.
Comment: This variant was observed in the ICSL laboratory as part of a predisposition screen in an ostensibly healthy population. It had not been previously curated by ICSL or reported in the Human Gene Mutation Database (HGMD: prior to June 1st, 2018), and was therefore a candidate for classification through an automated scoring system. Utilizing variant allele frequency, disease prevalence and penetrance estimates, and inheritance mode, an automated score was calculated to assess if this variant is too frequent to cause the disease. Based on the score and internal cut-off values, a variant classified as benign is not then subjected to further curation. The score for this variant resulted in a classification of benign for this disease.

NM_171998.4(RAB39B):c.*1580C>G

Gene: RAB39B (RAB39B, member RAS oncogene family; minus strand). Cytogenetic location: Xq28.
Variant type: single nucleotide variant.
Coding change: c.*1580C>G on transcript NM_171998.4 (MANE Select); 1580 bases downstream of the stop codon, C replaced by G.
Molecular consequence: 3 prime UTR variant.
Genome position (GRCh38, 1-based): chrX:155,259,223, G>C on the plus strand (C>G on the coding strand, the complement: RAB39B is on the minus strand). VCF-style: chrX-155259223-G-C. GRCh37 (hg19) VCF-style: chrX-154488508-G-C.
Identifiers: ClinVar variation 368135 (VCV000368135.5), dbSNP rs115301020, ClinGen allele CA10646078.